The following is an entry in ClinVar:

NM_001452.2(FOXF2):c.97GCC[6] (p.Ala39_Ala41del)

Genes: FOXF2-DT (FOXF2 divergent transcript; minus strand), FOXF2 (forkhead box F2; plus strand). Cytogenetic location: 6p25.3.
Variant type: Microsatellite.
Coding change: c.97GCC[6] on transcript NM_001452.2 (MANE Select); six copies in a row of the 3-base unit GCC starting at c.97; the reference has nine copies in a row; three copies, 9 bases deleted.
Protein change: p.Ala39_Ala41del.
Genome position (GRCh38, 1-based): chr6:1,390,062-1,390,070, GCCGCCGCC deleted; deleting any 9 consecutive bases within chr6:1,390,042-1,390,070 gives the same sequence; the position shown is the placement nearest the transcript's 3' end. VCF-style (leftmost placement, unchanged base first): chr6-1390041-CCCGCCGCCG-C. GRCh37 (hg19) VCF-style: chr6-1390276-CCCGCCGCCG-C.
Identifiers: ClinVar variation 3041547 (VCV003041547.2), dbSNP rs747033801, ClinGen allele CA3614464.
Genomic context (GRCh38, chr6:1,390,041, plus strand): 5'-CTCCGCCGCGCGTGCAGCCCGGTCCCCGGCGCGCTCCAGGCCGCCCTGATGAGCCCGCCG[CCCGCCGCCG>C]CCGCCGCCGCCGCCGCCGCCCCGGAGACCACCTCCTCCTCCTCGTCGTCGTCCTCCGCCT-3'

ClinVar aggregate classification (germline): Likely benign (0 of 4 stars; one submission).

Conditions:
FOXF2-related disorder. Also called: FOXF2-related condition.

Submission:

PreventionGenetics, part of Exact Sciences
Classification: Likely benign for FOXF2-related condition. Last evaluated: 2024-02-09. Review status: no assertion criteria provided. Collection method: clinical testing. Allele origin: germline.
Comment: This variant is classified as likely benign based on ACMG/AMP sequence variant interpretation guidelines (Richards et al. 2015 PMID: 25741868, with internal and published modifications).